The following is an entry in ClinVar:

NM_000474.4(TWIST1):c.523T>C (p.Cys175Arg)

Genes: TWIST1 (twist family bHLH transcription factor 1; minus strand), LOC129998021 (ATAC-STARR-seq lymphoblastoid active region 25682; plus strand). Cytogenetic location: 7p21.1.
Variant type: single nucleotide variant.
Coding change: c.523T>C on transcript NM_000474.4 (MANE Select); coding-DNA position 523, T replaced by C.
Protein change: p.Cys175Arg; replaces cysteine 175 with arginine.
Molecular consequence: missense variant. On other transcripts: non-coding transcript variant (1).
Genome position (GRCh38, 1-based): chr7:19,116,799, A>G on the plus strand (T>C on the coding strand, the complement: TWIST1 is on the minus strand). VCF-style: chr7-19116799-A-G. GRCh37 (hg19) VCF-style: chr7-19156422-A-G.
Other names: short protein forms C175R.
Identifiers: ClinVar variation 3253440 (VCV003253440.1), dbSNP rs2486049275.

ClinVar aggregate classification (germline): Uncertain significance (1 of 4 stars; one submission).

Submission:

GeneDx
Classification: Uncertain significance. Last evaluated: 2023-12-12. Review status: criteria provided, single submitter. Criteria: GeneDx Variant Classification Process June 2021. Collection method: clinical testing. Allele origin: germline. Affected: yes.
Comment: Not observed at significant frequency in large population cohorts (gnomAD); In silico analysis supports that this missense variant has a deleterious effect on protein structure/function; Has not been previously published as pathogenic or benign to our knowledge